The following is an entry in ClinVar:

ClinVar aggregate classification (germline): Uncertain significance. Review status: criteria provided, multiple submitters, no conflicts (2 of 4 stars). 2 submissions from 2 submitters: Uncertain significance (2). Last evaluated 2024-07-12.

Conditions:
Familial cancer of breast. Also called: Hereditary breast cancer; hereditary breast carcinoma; BREAST CANCER, FAMILIAL. Identifiers: Orphanet 227535, MedGen C0346153, MONDO:0016419, OMIM 114480. Disease mechanism: loss of function.
Hereditary cancer-predisposing syndrome. Also called: Tumor predisposition; Neoplastic Syndromes, Hereditary; Hereditary neoplastic syndrome; Hereditary Cancer Syndrome. Identifiers: Orphanet 140162, MedGen C0027672, MeSH D009386, MONDO:0015356.

Submissions (2):

Ambry Genetics
Classification: Uncertain significance for Hereditary cancer-predisposing syndrome. Last evaluated: 2024-07-12. Review status: criteria provided, single submitter. Criteria: Ambry Variant Classification Scheme 2023. Collection method: clinical testing. Allele origin: germline.
Comment: The p.S452R variant (also known as c.1356T>G), located in coding exon 5 of the BARD1 gene, results from a T to G substitution at nucleotide position 1356. The serine at codon 452 is replaced by arginine, an amino acid with dissimilar properties. This amino acid position is not well conserved in available vertebrate species. In addition, this alteration is predicted to be tolerated by in silico analysis. Based on the available evidence, the clinical significance of this variant remains unclear.

Labcorp Genetics (formerly Invitae), Labcorp
Classification: Uncertain significance for Familial cancer of breast. Last evaluated: 2024-04-17. Review status: criteria provided, single submitter. Criteria: Invitae Variant Classification Sherloc (09022015). Collection method: clinical testing. Allele origin: germline.
Comment: This sequence change replaces serine, which is neutral and polar, with arginine, which is basic and polar, at codon 452 of the BARD1 protein (p.Ser452Arg). This variant is not present in population databases (gnomAD no frequency). This variant has not been reported in the literature in individuals affected with BARD1-related conditions. An algorithm developed to predict the effect of missense changes on protein structure and function (PolyPhen-2) suggests that this variant is likely to be disruptive. In summary, the available evidence is currently insufficient to determine the role of this variant in disease. Therefore, it has been classified as a Variant of Uncertain Significance.

NM_000465.4(BARD1):c.1356T>G (p.Ser452Arg)

Gene: BARD1 (BRCA1 associated RING domain 1; minus strand). Cytogenetic location: 2q35.
Variant type: single nucleotide variant.
Coding change: c.1356T>G on transcript NM_000465.4 (MANE Select); coding-DNA position 1356, T replaced by G.
Protein change: p.Ser452Arg; replaces serine 452 with arginine.
Molecular consequence: missense variant. On other transcripts: non-coding transcript variant (3), intron variant (3).
Genome position (GRCh38, 1-based): chr2:214,769,271, A>C on the plus strand (T>G on the coding strand, the complement: BARD1 is on the minus strand). VCF-style: chr2-214769271-A-C. GRCh37 (hg19) VCF-style: chr2-215633995-A-C.
Other names: c.1299T>G, p.Ser433Arg (NM_001282543.2); c.159-16716T>G (NM_001282548.2); c.216-16716T>G (NM_001282545.2); c.364+23026T>G (NM_001282549.2); short protein forms S452R, S433R.
Identifiers: ClinVar variation 3479354 (VCV003479354.3).